The following is an entry in ClinVar:

NM_000059.4(BRCA2):c.206C>T (p.Pro69Leu)

Gene: BRCA2 (BRCA2 DNA repair associated; plus strand). Cytogenetic location: 13q13.1.
Variant type: single nucleotide variant.
Coding change: c.206C>T on transcript NM_000059.4 (MANE Select); coding-DNA position 206, C replaced by T.
Protein change: p.Pro69Leu; replaces proline 69 with leucine.
Molecular consequence: missense variant.
Genome position (GRCh38, 1-based): chr13:32,319,215, C>T. VCF-style: chr13-32319215-C-T. GRCh37 (hg19) VCF-style: chr13-32893352-C-T.
Other names: c.206C>T, p.Pro69Leu (NM_001406719.1, NM_001406720.1, NM_001406721.1); c.-164C>T (NM_001406722.1); short protein forms P69L.
Identifiers: ClinVar variation 2128931 (VCV002128931.5), dbSNP rs2138704833, ClinGen allele CA387754417.

ClinVar aggregate classification (germline): Conflicting classifications of pathogenicity. Review status: criteria provided, conflicting classifications (1 of 4 stars). 2 submissions from 2 submitters: Uncertain significance (1); Likely benign (1). Last evaluated 2025-10-21.

Conditions:
Hereditary breast ovarian cancer syndrome. Also called: Hereditary breast and ovarian cancer syndrome; BRCA1- and BRCA2-Associated Hereditary Breast and Ovarian Cancer; Hereditary breast and ovarian cancer syndrome (HBOC); Hereditary breast and/or ovarian cancer syndrome; Hereditary breast and ovarian cancer; Breast and ovarian cancer. Identifiers: Orphanet 145, MedGen C0677776, MeSH D061325, MONDO:0003582. Disease mechanism: loss of function.
Hereditary cancer-predisposing syndrome. Also called: Hereditary neoplastic syndrome; Tumor predisposition; Hereditary Cancer Syndrome; Neoplastic Syndromes, Hereditary. Identifiers: Orphanet 140162, MedGen C0027672, MeSH D009386, MONDO:0015356.

Allele frequency attached by ClinVar (database versions not stated): gnomAD exomes below 0.00001.
gnomAD v4.1: 1 of 1,613,752 alleles (0.000062%); highest among the groups gnomAD compares: East Asian, 0.0022%; no homozygotes.

Submissions (2):

Labcorp Genetics (formerly Invitae), Labcorp
Classification: Uncertain significance for Hereditary breast ovarian cancer syndrome. Last evaluated: 2025-10-21. Review status: criteria provided, single submitter. Criteria: Invitae Variant Classification Sherloc (09022015). Collection method: clinical testing. Allele origin: germline.
Comment: This sequence change replaces proline, which is neutral and non-polar, with leucine, which is neutral and non-polar, at codon 69 of the BRCA2 protein (p.Pro69Leu). This variant is not present in population databases (gnomAD no frequency). This variant has not been reported in the literature in individuals affected with BRCA2-related conditions. ClinVar contains an entry for this variant (Variation ID: 2128931). Invitae Evidence Modeling of protein sequence and biophysical properties (such as structural, functional, and spatial information, amino acid conservation, physicochemical variation, residue mobility, and thermodynamic stability) indicates that this missense variant is not expected to disrupt BRCA2 protein function with a negative predictive value of 95%. In summary, the available evidence is currently insufficient to determine the role of this variant in disease. Therefore, it has been classified as a Variant of Uncertain Significance.

Ambry Genetics
Classification: Likely benign for Hereditary cancer-predisposing syndrome. Last evaluated: 2024-12-19. Review status: criteria provided, single submitter. Criteria: Ambry Variant Classification Scheme 2023. Collection method: clinical testing. Allele origin: germline.